The following is an entry in ClinVar:

ClinVar aggregate classification (germline): Likely benign (1 of 4 stars; one submission).

Allele frequency attached by ClinVar (database versions not stated): gnomAD exomes 0.00001.
gnomAD v4.1: 5 of 1,614,122 alleles (0.00031%); highest among the groups gnomAD compares: Non-Finnish European, 0.00042%; no homozygotes.

Submission:

CeGaT Center for Human Genetics Tuebingen
Classification: Likely benign. Last evaluated: 2023-05-01. Review status: criteria provided, single submitter. Criteria: CeGaT Center For Human Genetics Tuebingen Variant Classification Criteria Version 2. Collection method: clinical testing. Allele origin: germline. Affected: yes. Observed: 1 variant allele.
Comment: SPG21: BP4, BP7

NM_016630.7(SPG21):c.594A>G (p.Ser198=)

Gene: SPG21 (SPG21 abhydrolase domain containing, maspardin; minus strand). Cytogenetic location: 15q22.31.
Variant type: single nucleotide variant.
Coding change: c.594A>G on transcript NM_016630.7 (MANE Select); coding-DNA position 594, A replaced by G.
Protein change: p.Ser198=; no amino-acid change (serine 198 retained).
Molecular consequence: synonymous variant.
Genome position (GRCh38, 1-based): chr15:64,969,330, T>C on the plus strand (A>G on the coding strand, the complement: SPG21 is on the minus strand). VCF-style: chr15-64969330-T-C. GRCh37 (hg19) VCF-style: chr15-65261667-T-C.
Other names: c.513A>G, p.Ser171= (NM_001127890.5); c.594A>G, p.Ser198= (NM_001127889.5).
Identifiers: ClinVar variation 2645449 (VCV002645449.24), dbSNP rs1428278477, ClinGen allele CA490824500.
Genomic context (GRCh38, chr15:64,969,330, plus strand): 5'-AGGTATGTCCCGAATTTTATGAGGTTCCACATAAGAATTTTGACAATTCAAGGTAAGTCT[T>C]GAAGCCAGTTCACTCTGACCCAAACTTTCTAGCTGCAGGAAGAAACACAGGTAAAGTTTT-3'
Protein context (NP_057714.1, residues 188-208): LESLGQSELA[Ser198=]RLTLNCQNSY